The following is an entry in ClinVar:

ClinVar aggregate classification (germline): Conflicting classifications of pathogenicity. Review status: criteria provided, conflicting classifications (1 of 4 stars). 3 submissions from 3 submitters: Uncertain significance (2); Likely benign (1). Last evaluated 2026-06-22.

Conditions:
Hereditary cancer-predisposing syndrome. Also called: Hereditary Cancer Syndrome; Neoplastic Syndromes, Hereditary; Hereditary neoplastic syndrome; Tumor predisposition. Identifiers: Orphanet 140162, MedGen C0027672, MeSH D009386, MONDO:0015356.
Tuberous sclerosis 1 (TSC1). Identifiers: Orphanet 805, MedGen C1854465, MONDO:0008612, OMIM 191100.

Submissions (3):

Ambry Genetics
Classification: Likely benign for Hereditary cancer-predisposing syndrome. Last evaluated: 2026-06-22. Review status: criteria provided, single submitter. Criteria: Ambry Variant Classification Scheme 2023. Collection method: clinical testing. Allele origin: germline.

Labcorp Genetics (formerly Invitae), Labcorp
Classification: Uncertain significance for Tuberous sclerosis 1. Last evaluated: 2024-03-19. Review status: criteria provided, single submitter. Criteria: Invitae Variant Classification Sherloc (09022015). Collection method: clinical testing. Allele origin: germline.
Comment: This sequence change replaces alanine, which is neutral and non-polar, with valine, which is neutral and non-polar, at codon 529 of the TSC1 protein (p.Ala529Val). This variant is not present in population databases (gnomAD no frequency). This variant has not been reported in the literature in individuals affected with TSC1-related conditions. ClinVar contains an entry for this variant (Variation ID: 1422236). Advanced modeling of protein sequence and biophysical properties (such as structural, functional, and spatial information, amino acid conservation, physicochemical variation, residue mobility, and thermodynamic stability) performed at Invitae indicates that this missense variant is not expected to disrupt TSC1 protein function with a negative predictive value of 95%. In summary, the available evidence is currently insufficient to determine the role of this variant in disease. Therefore, it has been classified as a Variant of Uncertain Significance.

Sema4
Classification: Uncertain significance for Hereditary cancer-predisposing syndrome. Last evaluated: 2022-02-05. Review status: criteria provided, single submitter. Criteria: Sema4 Curation Guidelines. Collection method: curation. Allele origin: germline.
Comment: The TSC1 c.1586C>T (p.A529V) variant has not been reported in the literature to our knowledge. It was not observed in the large and broad cohorts of the Genome Aggregation Database (PMID: 32461654). This variant has not been reported in ClinVar. Functional studies have not been performed, and in silico predictions of the variant's effect on protein function are inconclusive. The evidence is insufficient to meet ACMG/AMP criteria for classifying the variant as benign or pathogenic. Thus, the clinical significance of this variant is currently uncertain.

NM_000368.5(TSC1):c.1586C>T (p.Ala529Val)

Gene: TSC1 (TSC complex subunit 1; minus strand). Cytogenetic location: 9q34.13.
Variant type: single nucleotide variant.
Coding change: c.1586C>T on transcript NM_000368.5 (MANE Select); coding-DNA position 1586, C replaced by T.
Protein change: p.Ala529Val; replaces alanine 529 with valine.
Molecular consequence: missense variant.
Genome position (GRCh38, 1-based): chr9:132,905,992, G>A on the plus strand (C>T on the coding strand, the complement: TSC1 is on the minus strand). VCF-style: chr9-132905992-G-A. GRCh37 (hg19) VCF-style: chr9-135781379-G-A.
Other names: c.1583C>T, p.Ala528Val (NM_001162426.2); c.1433C>T, p.Ala478Val (NM_001162427.2); c.1223C>T, p.Ala408Val (NM_001362177.2); short protein forms A408V, A478V, A529V, A528V.
Identifiers: ClinVar variation 1422236 (VCV001422236.11), dbSNP rs1845645423, ClinGen allele CA375364914.